The following is an entry in ClinVar:

ClinVar aggregate classification (germline): Likely benign (1 of 4 stars; one submission).

Submission:

CeGaT Center for Human Genetics Tuebingen
Classification: Likely benign. Last evaluated: 2026-04-01. Review status: criteria provided, single submitter. Criteria: CeGaT Center For Human Genetics Tuebingen Variant Classification Criteria Version 2. Collection method: clinical testing. Allele origin: germline. Affected: yes. Observed: 1 variant allele.
Comment: GJB2: PM2:Supporting, BP4, BP7

NM_004004.6(GJB2):c.174A>T (p.Pro58=)

Gene: GJB2 (gap junction protein beta 2; minus strand). Cytogenetic location: 13q12.11.
Variant type: single nucleotide variant.
Coding change: c.174A>T on transcript NM_004004.6 (MANE Select); coding-DNA position 174, A replaced by T.
Protein change: p.Pro58=; no amino-acid change (proline 58 retained).
Molecular consequence: synonymous variant.
Genome position (GRCh38, 1-based): chr13:20,189,408, T>A on the plus strand (A>T on the coding strand, the complement: GJB2 is on the minus strand). VCF-style: chr13-20189408-T-A. GRCh37 (hg19) VCF-style: chr13-20763547-T-A.
Identifiers: ClinVar variation 4872334 (VCV004872334.2).